The following is an entry in ClinVar:

NM_025074.7(FRAS1):c.1253C>G (p.Ser418Ter)

Gene: FRAS1 (Fraser extracellular matrix complex subunit 1; plus strand). Cytogenetic location: 4q21.21.
Variant type: single nucleotide variant.
Coding change: c.1253C>G on transcript NM_025074.7 (MANE Select); coding-DNA position 1253, C replaced by G.
Protein change: p.Ser418Ter; replaces serine 418 with a stop codon.
Molecular consequence: nonsense.
Genome position (GRCh38, 1-based): chr4:78,282,965, C>G. VCF-style: chr4-78282965-C-G. GRCh37 (hg19) VCF-style: chr4-79204119-C-G.
Other names: c.1253C>G, p.Ser418Ter (NM_001166133.2); short protein forms S418*.
Identifiers: ClinVar variation 3590911 (VCV003590911.3).

ClinVar aggregate classification (germline): Pathogenic/Likely pathogenic. Review status: criteria provided, multiple submitters, no conflicts (2 of 4 stars). 2 submissions from 2 submitters: Pathogenic (1); Likely pathogenic (1). Last evaluated 2024-03-28.

Conditions:
Fraser syndrome 1 (FRASRS1). Also called: CRYPTOPHTHALMOS WITH OTHER MALFORMATIONS. Identifiers: Orphanet 2052, MedGen C4551480, MONDO:0054737, OMIM 219000.

gnomAD v4.1: 5 of 1,521,762 alleles (0.00033%); highest among the groups gnomAD compares: Non-Finnish European, 0.00044%; no homozygotes.

Submissions (2):

Fulgent Genetics
Classification: Likely pathogenic for Fraser syndrome 1. Last evaluated: 2024-03-28. Review status: criteria provided, single submitter. Criteria: ACMG Guidelines, 2015. Collection method: clinical testing. Allele origin: germline.

Labcorp Genetics (formerly Invitae), Labcorp
Classification: Pathogenic. Last evaluated: 2024-02-15. Review status: criteria provided, single submitter. Criteria: Invitae Variant Classification Sherloc (09022015). Collection method: clinical testing. Allele origin: germline.
Comment: This sequence change creates a premature translational stop signal (p.Ser418*) in the FRAS1 gene. It is expected to result in an absent or disrupted protein product. Loss-of-function variants in FRAS1 are known to be pathogenic (PMID: 12766769, 18671281). This variant is present in population databases (rs776708508, gnomAD 0.001%). This variant has not been reported in the literature in individuals affected with FRAS1-related conditions. Algorithms developed to predict the effect of sequence changes on RNA splicing suggest that this variant may disrupt the consensus splice site. For these reasons, this variant has been classified as Pathogenic.

Literature cited by the submitters: PubMed 12766769 (cited by Labcorp Genetics (formerly Invitae), Labcorp); PubMed 18671281 (cited by Labcorp Genetics (formerly Invitae), Labcorp).